The following is an entry in ClinVar:

NM_020975.6(RET):c.74-2A>T

Gene: RET (ret proto-oncogene; plus strand). Cytogenetic location: 10q11.21.
Variant type: single nucleotide variant.
Coding change: c.74-2A>T on transcript NM_020975.6 (MANE Select); the canonical splice acceptor site of the intron before coding-DNA position 74, A replaced by T.
Molecular consequence: splice acceptor variant. On other transcripts: intron variant (4).
Genome position (GRCh38, 1-based): chr10:43,100,457, A>T. VCF-style: chr10-43100457-A-T. GRCh37 (hg19) VCF-style: chr10-43595905-A-T.
Other names: c.74-2A>T (NM_020630.7, NM_001406743.1, NM_001406744.1 and 32 more transcripts); c.74-8574A>T (NM_001406784.1); c.74-11642A>T (NM_001406794.1, NM_001406792.1, NM_001406793.1).
Identifiers: ClinVar variation 1499429 (VCV001499429.9), dbSNP rs2132656224, ClinGen allele CA376770028.
Genomic context (GRCh38, chr10:43,100,457, plus strand): 5'-TTTTTTGTCCTTGAAGAAGCCTTATTCTCACCATCCCTCACTCACTTCCCTACTTCCCAC[A>T]GTGGCATTGGGCCTCTACTTCTCGAGGGATGCTTACTGGGAGAAGCTGTATGTGGACCAG-3'

ClinVar aggregate classification (germline): Likely pathogenic (1 of 4 stars; one submission).

Conditions:
Multiple endocrine neoplasia, type 2 (MEN2). Identifiers: Orphanet 653, MedGen C4048306, MONDO:0019003. Disease mechanism: gain of function.

Submission:

Labcorp Genetics (formerly Invitae), Labcorp
Classification: Likely pathogenic for Multiple endocrine neoplasia, type 2. Last evaluated: 2021-05-17. Review status: criteria provided, single submitter. Criteria: Invitae Variant Classification Sherloc (09022015). Collection method: clinical testing. Allele origin: germline.
Comment: This sequence change affects an acceptor splice site in intron 1 of the RET gene. It is expected to disrupt RNA splicing. Variants that disrupt the donor or acceptor splice site typically lead to a loss of protein function (PMID: 16199547), and loss-of-function variants in RET are known to be pathogenic (PMID: 22174939, 22648184). In summary, the currently available evidence indicates that the variant is pathogenic, but additional data are needed to prove that conclusively. Therefore, this variant has been classified as Likely Pathogenic. Algorithms developed to predict the effect of sequence changes on RNA splicing suggest that this variant may disrupt the consensus splice site, but this prediction has not been confirmed by published transcriptional studies. This variant has not been reported in the literature in individuals with RET-related conditions. This variant is not present in population databases (ExAC no frequency).

Literature cited by the submitters: PubMed 16199547; PubMed 22174939; PubMed 22648184.